The following is an entry in ClinVar:

ClinVar aggregate classification (germline): Uncertain significance (1 of 4 stars; one submission).

Conditions:
Dilated cardiomyopathy 1O (CMD1O). Also called: CARDIOMYOPATHY, DILATED, WITH VENTRICULAR TACHYCARDIA. Identifiers: Orphanet 154, MedGen C1837839, MONDO:0012062, OMIM 608569.

Submission:

Labcorp Genetics (formerly Invitae), Labcorp
Classification: Uncertain significance for Dilated cardiomyopathy 1O. Last evaluated: 2020-09-20. Review status: criteria provided, single submitter. Criteria: Invitae Variant Classification Sherloc (09022015). Collection method: clinical testing. Allele origin: germline.
Comment: This sequence change affects an acceptor splice site in intron 26 of the ABCC9 gene. It is expected to disrupt RNA splicing and likely results in an absent or disrupted protein product. This variant is not present in population databases (ExAC no frequency). This variant has not been reported in the literature in individuals with ABCC9-related conditions. The current clinical and genetic evidence is not sufficient to establish whether loss-of-function variants in ABCC9 cause disease. In summary, the available evidence is currently insufficient to determine the role of this variant in disease. Therefore, it has been classified as a Variant of Uncertain Significance.

NM_020297.4(ABCC9):c.3316-1G>A

Gene: ABCC9 (ATP binding cassette subfamily C member 9; minus strand). Cytogenetic location: 12p12.1.
Variant type: single nucleotide variant.
Coding change: c.3316-1G>A on transcript NM_020297.4 (MANE Select); the canonical splice acceptor site of the intron before coding-DNA position 3316, G replaced by A.
Molecular consequence: splice acceptor variant.
Genome position (GRCh38, 1-based): chr12:21,842,472, C>T on the plus strand (G>A on the coding strand, the complement: ABCC9 is on the minus strand). VCF-style: chr12-21842472-C-T. GRCh37 (hg19) VCF-style: chr12-21995406-C-T.
Other names: c.2449-1G>A (NM_001377274.1); c.3316-1G>A (NM_005691.4, NM_001377273.1).
Identifiers: ClinVar variation 1002389 (VCV001002389.2), dbSNP rs1944442483, ClinGen allele CA384141069.